The following is an entry in ClinVar:

ClinVar aggregate classification (germline): Uncertain significance (1 of 4 stars; one submission).

Submission:

Labcorp Genetics (formerly Invitae), Labcorp
Classification: Uncertain significance. Last evaluated: 2024-03-16. Review status: criteria provided, single submitter. Criteria: Invitae Variant Classification Sherloc (09022015). Collection method: clinical testing. Allele origin: germline.
Comment: This sequence change creates a premature translational stop signal (p.Glu883Lysfs*7) in the NIN gene. It is expected to result in an absent or disrupted protein product. However, the current clinical and genetic evidence is not sufficient to establish whether loss-of-function variants in NIN cause disease. This variant is not present in population databases (gnomAD no frequency). This variant has not been reported in the literature in individuals affected with NIN-related conditions. In summary, the available evidence is currently insufficient to determine the role of this variant in disease. Therefore, it has been classified as a Variant of Uncertain Significance.

NM_020921.4(NIN):c.2647_2650del (p.Glu883fs)

Gene: NIN (ninein; minus strand). Cytogenetic location: 14q22.1.
Variant type: Microsatellite.
Coding change: c.2647_2650del on transcript NM_020921.4 (MANE Select); coding-DNA positions 2647 to 2650, 4 bases deleted (GAGA; older notation c.2647_2650delGAGA).
Protein change: p.Glu883fs; shifts the reading frame from glutamic acid 883.
Molecular consequence: frameshift variant. On other transcripts: intron variant (1).
Genome position (GRCh38, 1-based): chr14:50,758,380-50,758,383, TCTC deleted on the plus strand (GAGA on the coding strand, the reverse complement: NIN is on the minus strand); deleting any 4 consecutive bases within chr14:50,758,380-50,758,388 gives the same sequence; the c. name uses the placement nearest the transcript's 3' end. VCF-style (leftmost placement, unchanged base first): chr14-50758379-TTCTC-T. GRCh37 (hg19) VCF-style: chr14-51225097-TTCTC-T.
Other names: c.2647_2650del, p.Glu883fs (NM_182944.3, NM_182946.2); c.2399+1470GA[2] (NM_016350.5); short protein forms E883fs.
Identifiers: ClinVar variation 3672376 (VCV003672376.2).
Genomic context (GRCh38, chr14:50,758,379, plus strand): 5'-TGTTCTTTGTATGTTTTCTCCAGCATCTCTCTCTCCTGGGTCAGGACCAGAGAAGTTGTT[TTCTC>T]TCTCTTAAGAGTCTCTTTCAGCAGCTCCTGGGCTTCCGCACACTCCTGGGTGAGCTCGTC-3'